The following is an entry in ClinVar:

ClinVar aggregate classification (germline): Likely benign (1 of 4 stars; one submission).

gnomAD v4.1: 36 of 1,613,994 alleles (0.0022%); highest among the groups gnomAD compares: Admixed American, 0.058%; no homozygotes.

Submission:

CeGaT Center for Human Genetics Tuebingen
Classification: Likely benign. Last evaluated: 2026-03-01. Review status: criteria provided, single submitter. Criteria: CeGaT Center For Human Genetics Tuebingen Variant Classification Criteria Version 2. Collection method: clinical testing. Allele origin: germline. Affected: yes. Observed: 1 variant allele.
Comment: SNURF: BP4, BP7

NM_001394334.1(SNURF):c.186A>T (p.Ala62=)

Genes: SNHG14 (small nucleolar RNA host gene 14; plus strand), SNRPN (small nuclear ribonucleoprotein polypeptide N; plus strand), SNURF (SNRPN upstream open reading frame; plus strand). Cytogenetic location: 15q11.2.
Variant type: single nucleotide variant.
Coding change: c.186A>T on transcript NM_001394334.1 (MANE Select); coding-DNA position 186, A replaced by T.
Protein change: p.Ala62=; no amino-acid change (alanine 62 retained).
Molecular consequence: synonymous variant. On other transcripts: non-coding transcript variant (1), 5 prime UTR variant (103), intron variant (9).
Genome position (GRCh38, 1-based): chr15:24,968,007, A>T. VCF-style: chr15-24968007-A-T. GRCh37 (hg19) VCF-style: chr15-25213154-A-T.
Other names: c.-219A>T (NM_001349455.2, NM_001349456.2, NM_001349457.2 and 84 more transcripts); c.-389A>T (NM_001378249.1); c.-377A>T (NM_001378251.1, NM_001378253.1); c.-523A>T (NM_001378252.1, NM_001378254.1); c.-97A>T (NM_001378256.1, NM_001378257.1, NM_001400767.1); c.-242A>T (NM_001400697.1, NM_001400728.1, NM_001400759.1 and 1 more transcripts); c.-412A>T (NM_001400725.1); c.-143A>T (NM_001400727.1, NM_001400747.1); and 6 more.
Identifiers: ClinVar variation 4822615 (VCV004822615.4).